The following is an entry in ClinVar:

ClinVar aggregate classification (germline): Likely pathogenic (1 of 4 stars; one submission).

Conditions:
ALG6-congenital disorder of glycosylation 1C (CDG1C). Also called: Congenital disorder of glycosylation, type Ic; CDG Ic; CARBOHYDRATE-DEFICIENT GLYCOPROTEIN SYNDROME, TYPE I, WITH DEFICIENT GLYCOSYLATION OF DOLICHOL-LINKED OLIGOSACCHARIDE; CARBOHYDRATE-DEFICIENT GLYCOPROTEIN SYNDROME, TYPE V; Congenital disorder of glycosylation type 1C. Identifiers: Orphanet 79320, MedGen C2930997, MONDO:0011291, OMIM 603147.

gnomAD v4.1: 1 of 1,610,706 alleles (0.000062%); highest among the groups gnomAD compares: Non-Finnish European, 0.000085%; no homozygotes.

Submission:

Natera, Inc.
Classification: Likely pathogenic for Congenital disorder of glycosylation type 1c. Last evaluated: 2025-04-28. Review status: criteria provided, single submitter. Criteria: Natera Variant Classification Schema (03/2026). Collection method: clinical testing. Allele origin: germline.
Comment: The c.167+1G>T variant in ALG6 is a canonical splice donor site variant predicted to affect pre-mRNA splicing, which may result in an abnormal transcript and altered protein product. This variant is expected to result in nonsense mediated decay, truncation, or a dysfunctional protein product. This variant is rare in the general population with a frequency below the threshold expected for the associated phenotype(s). Given the available evidence, this variant is classified as Likely Pathogenic.

NM_013339.4(ALG6):c.167+1G>T

Gene: ALG6 (ALG6 alpha-1,3-glucosyltransferase; plus strand). Cytogenetic location: 1p31.3.
Variant type: single nucleotide variant.
Coding change: c.167+1G>T on transcript NM_013339.4 (MANE Select); the canonical splice donor site of the intron after coding-DNA position 167, G replaced by T.
Molecular consequence: splice donor variant.
Genome position (GRCh38, 1-based): chr1:63,396,598, G>T. VCF-style: chr1-63396598-G-T. GRCh37 (hg19) VCF-style: chr1-63862269-G-T.
Identifiers: ClinVar variation 4070265 (VCV004070265.2).
Genomic context (GRCh38, chr1:63,396,598, plus strand): 5'-TGATTATGAAGCTCAGAGACACTGGCAAGAAATAACTTTTAATTTACCGGTCAAACAATG[G>T]TATGATAATTTTAACTTGTTTTTCTTGTTTATCATAGTTAATACAGATTGTTTGAAAATA-3'